The following is an entry in ClinVar:

NM_032119.4(ADGRV1):c.18634G>T (p.Asp6212Tyr)

Gene: ADGRV1 (adhesion G protein-coupled receptor V1; plus strand). Cytogenetic location: 5q14.3.
Variant type: single nucleotide variant.
Coding change: c.18634G>T on transcript NM_032119.4 (MANE Select); coding-DNA position 18634, G replaced by T.
Protein change: p.Asp6212Tyr; replaces aspartic acid 6212 with tyrosine.
Molecular consequence: missense variant. On other transcripts: non-coding transcript variant (1).
Genome position (GRCh38, 1-based): chr5:91,153,230, G>T. VCF-style: chr5-91153230-G-T. GRCh37 (hg19) VCF-style: chr5-90449047-G-T.
Other names: p.Asp6212Tyr; short protein forms D6212Y.
Identifiers: ClinVar variation 2682898 (VCV002682898.1), dbSNP rs2533411025, ClinGen allele CA360432451.

ClinVar aggregate classification (germline): Uncertain significance (1 of 4 stars; one submission).

Submission:

Mayo Clinic Laboratories, Mayo Clinic
Classification: Uncertain significance. Last evaluated: 2022-09-06. Review status: criteria provided, single submitter. Criteria: ACMG Guidelines, 2015. Collection method: clinical testing. Allele origin: germline. Observed: 1 variant allele.
Comment: PM2